The following is an entry in ClinVar:

NC_000001.10:g.(?_156104586)_(156108907_?)del

Gene: LMNA (lamin A/C; plus strand). Cytogenetic location: 1q22.
Variant type: Deletion.
Identifiers: ClinVar variation 1067607 (VCV001067607.7).

ClinVar aggregate classification (germline): Likely pathogenic (1 of 4 stars; one submission).

Conditions:
Charcot-Marie-Tooth disease type 2. Also called: Charcot-Marie-Tooth type 2. Identifiers: Orphanet 64746, MedGen C0270914, MONDO:0018993.

Submission:

Labcorp Genetics (formerly Invitae), Labcorp
Classification: Likely pathogenic for Charcot-Marie-Tooth disease type 2. Last evaluated: 2020-09-30. Review status: criteria provided, single submitter. Criteria: Invitae Variant Classification Sherloc (09022015). Collection method: clinical testing. Allele origin: germline.
Comment: In summary, the currently available evidence indicates that the variant is pathogenic, but additional data are needed to prove that conclusively. Therefore, this variant has been classified as Likely Pathogenic. This variant disrupts the p.Gly232 amino acid residue in LMNA. Other variant(s) that disrupt this residue have been determined to be pathogenic (PMID: 29893365, 10939567, 25982065, 23077635, 16772334, 29676528, 29753763, 18564364, 24349489). This suggests that this residue is clinically significant, and that variants that disrupt this residue are likely to be disease-causing. This variant has not been reported in the literature in individuals with LMNA-related conditions. This variant is a gross deletion of the genomic region encompassing exons 4-12 of the LMNA gene. The 5' boundary is likely confined to intron 3. The 3' end of this event is unknown as it extends through the termination codon beyond the assayed region for this gene and may encompass additional genes. While this deletion is not anticipated to result in nonsense mediated decay, it is expected to create a truncated protein product or disrupt mRNA translation.

Literature cited by the submitters: PubMed 29893365; PubMed 10939567; PubMed 25982065; PubMed 23077635; PubMed 16772334; PubMed 29676528; PubMed 29753763; PubMed 18564364; PubMed 24349489.